The following is an entry in ClinVar:

ClinVar aggregate classification (germline): Likely benign. Review status: criteria provided, multiple submitters, no conflicts (2 of 4 stars). 4 submissions from 4 submitters: Likely benign (4). Last evaluated 2025-10-08.

Conditions:
Pfeiffer syndrome (ACS5). Also called: ACS V. Identifiers: Orphanet 710, MedGen C0220658, MONDO:0007043, OMIM 101600.
Hypogonadotropic hypogonadism 2 with or without anosmia (HH2). Also called: HYPOGONADOTROPIC HYPOGONADISM 2 WITHOUT ANOSMIA; HYPOGONADOTROPIC HYPOGONADISM 2 WITH OR WITHOUT ANOSMIA, SUSCEPTIBILITY TO; HYPOGONADOTROPIC HYPOGONADISM 2 WITHOUT ANOSMIA, SUSCEPTIBILITY TO; FGFR1-Related GnRH Deficiency (Kallmann Syndrome 2). Identifiers: Orphanet 478, MedGen C1563720, MONDO:0007844, OMIM 147950. Disease mechanism: loss of function.

Allele frequency attached by ClinVar (database versions not stated): gnomAD 0.00005 and 0.00007; gnomAD exomes 0.00009 and 0.00010; TOPMed 0.00009; ExAC 0.00013; 1000 Genomes Project 30x 0.00016; ESP Exome Variant Server 0.00016; 1000 Genomes Project 0.00020.

Submissions (4):

Labcorp Genetics (formerly Invitae), Labcorp
Classification: Likely benign for Pfeiffer syndrome; Hypogonadotropic hypogonadism 2 with or without anosmia. Last evaluated: 2025-10-08. Review status: criteria provided, single submitter. Criteria: Invitae Variant Classification Sherloc (09022015). Collection method: clinical testing. Allele origin: germline.

Blueprint Genetics
Classification: Likely benign. Last evaluated: 2024-07-03. Review status: criteria provided, single submitter. Criteria: ACMG Guidelines, 2015. Collection method: clinical testing. Allele origin: germline.

CeGaT Center for Human Genetics Tuebingen
Classification: Likely benign. Last evaluated: 2023-01-01. Review status: criteria provided, single submitter. Criteria: CeGaT Center For Human Genetics Tuebingen Variant Classification Criteria Version 2. Collection method: clinical testing. Allele origin: germline. Affected: yes. Observed: 1 variant allele.
Comment: FGFR1: BP4

Breakthrough Genomics
Classification: Likely benign. Review status: criteria provided, single submitter. Criteria: ACMG Guidelines, 2015. Collection method: not provided. Allele origin: germline. Inheritance: Autosomal dominant inheritance. Affected: yes.

NM_023110.3(FGFR1):c.745+7G>A

Gene: FGFR1 (fibroblast growth factor receptor 1; minus strand). Cytogenetic location: 8p11.23.
Variant type: single nucleotide variant.
Coding change: c.745+7G>A on transcript NM_023110.3 (MANE Select); 7 bases into the intron after coding-DNA position 745, G replaced by A.
Molecular consequence: intron variant.
Genome position (GRCh38, 1-based): chr8:38,426,115, C>T on the plus strand (G>A on the coding strand, the complement: FGFR1 is on the minus strand). VCF-style: chr8-38426115-C-T. GRCh37 (hg19) VCF-style: chr8-38283633-C-T.
Other names: c.472+7G>A (NM_001354368.2, NM_001354370.2, NM_023106.3); c.478+7G>A (NM_023105.3, NM_001174066.2); c.739+7G>A (NM_001354367.2, NM_015850.4, NM_001354369.2 and 1 more transcripts); c.745+7G>A (NM_001174063.2); c.721+7G>A (NM_001174064.2); c.838+7G>A (NM_001174067.2).
Identifiers: ClinVar variation 701867 (VCV000701867.39), dbSNP rs202096944, ClinGen allele CA4718661.